The following is an entry in ClinVar:

ClinVar aggregate classification (germline): Uncertain significance (1 of 4 stars; one submission).

Conditions:
Intellectual developmental disorder, autosomal dominant 50, with behavioral abnormalities. Also called: MENTAL RETARDATION, AUTOSOMAL DOMINANT 50; Intellectual disability, autosomal dominant 50. Identifiers: MedGen C4540470, MONDO:0030916, OMIM 617787.

gnomAD v4.1: 12 of 1,611,580 alleles (0.00074%); highest among the groups gnomAD compares: Non-Finnish European, 0.001%; no homozygotes.

Submission:

Foundation for Research in Genetics and Endocrinology, FRIGE's Institute of Human Genetics
Classification: Uncertain significance for Intellectual developmental disorder, autosomal dominant 50, with behavioral abnormalities. Last evaluated: 2026-04-30. Review status: criteria provided, single submitter. Criteria: ACMG Guidelines, 2015. Collection method: clinical testing. Allele origin: germline. Inheritance: Autosomal dominant inheritance. Affected: yes. Observed: 1 variant allele, 1 heterozygote.
Comment: A heterozygous missense variant in exon 7 of the NAA15 gene that results in the amino acid substitution of Histidine for Tyrosine at codon 261 (p.Tyr261His) was detected. This variant has not been reported in the 1000 genomes, gnomAD (v3.1), gnomAD (v2.1), topmed database. The in silico predictions of the variant are probably damaging by PolyPhen-2 and damaging by SIFT, LRT and CONDEL. The reference codon is conserved across species. In summary, the variant meets our criteria to be classified as a variant of uncertain significance.

NM_057175.5(NAA15):c.781T>C (p.Tyr261His)

Gene: NAA15 (N-alpha-acetyltransferase 15, NatA auxiliary subunit; plus strand). Cytogenetic location: 4q31.1.
Variant type: single nucleotide variant.
Coding change: c.781T>C on transcript NM_057175.5 (MANE Select); coding-DNA position 781, T replaced by C.
Protein change: p.Tyr261His; replaces tyrosine 261 with histidine.
Molecular consequence: missense variant.
Genome position (GRCh38, 1-based): chr4:139,349,551, T>C. VCF-style: chr4-139349551-T-C. GRCh37 (hg19) VCF-style: chr4-140270705-T-C.
Other names: p.Tyr261His; c.781T>C, p.Tyr261His (NM_001410842.1); short protein forms Y261H.
Identifiers: ClinVar variation 4852485 (VCV004852485.1).